The following is an entry in ClinVar:

ClinVar aggregate classification (germline): Uncertain significance (1 of 4 stars; one submission).

gnomAD v4.1: 2 of 1,612,346 alleles (0.00012%); highest among the groups gnomAD compares: Admixed American, 0.0017%; no homozygotes.

Submission:

Labcorp Genetics (formerly Invitae), Labcorp
Classification: Uncertain significance. Last evaluated: 2024-07-06. Review status: criteria provided, single submitter. Criteria: Invitae Variant Classification Sherloc (09022015). Collection method: clinical testing. Allele origin: germline.
Comment: This sequence change replaces valine, which is neutral and non-polar, with isoleucine, which is neutral and non-polar, at codon 355 of the SLC39A7 protein (p.Val355Ile). This variant is not present in population databases (gnomAD no frequency). This variant has not been reported in the literature in individuals affected with SLC39A7-related conditions. An algorithm developed to predict the effect of missense changes on protein structure and function (PolyPhen-2) suggests that this variant is likely to be disruptive. In summary, the available evidence is currently insufficient to determine the role of this variant in disease. Therefore, it has been classified as a Variant of Uncertain Significance.

NM_006979.3(SLC39A7):c.1063G>A (p.Val355Ile)

Gene: SLC39A7 (solute carrier family 39 member 7; plus strand). Cytogenetic location: 6p21.32.
Variant type: single nucleotide variant.
Coding change: c.1063G>A on transcript NM_006979.3 (MANE Select); coding-DNA position 1063, G replaced by A.
Protein change: p.Val355Ile; replaces valine 355 with isoleucine.
Molecular consequence: missense variant.
Genome position (GRCh38, 1-based): chr6:33,203,032, G>A. VCF-style: chr6-33203032-G-A. GRCh37 (hg19) VCF-style: chr6-33170809-G-A.
Other names: c.1063G>A, p.Val355Ile (NM_001077516.2); c.688G>A, p.Val230Ile (NM_001288777.2); short protein forms V230I, V355I.
Identifiers: ClinVar variation 3683316 (VCV003683316.2).
Genomic context (GRCh38, chr6:33,203,032, plus strand): 5'-CTGGCCATTGGGGCTTCCTTTCGAGGGGGCCGGGGACTAGGGATCCTGACCACAATGACT[G>A]TCCTGCTACATGAAGTGCCCCACGAGGTCGGAGACTTTGCCATCTTGGTCCAGTCTGGCT-3'
Protein context (NP_008910.2, residues 345-365): RGLGILTTMT[Val355Ile]LLHEVPHEVG